The following is an entry in ClinVar:

NM_014856.3(DENND4B):c.2439+10C>T

Gene: DENND4B (DENN domain containing 4B; minus strand). Cytogenetic location: 1q21.3.
Variant type: single nucleotide variant.
Coding change: c.2439+10C>T on transcript NM_014856.3 (MANE Select); 10 bases into the intron after coding-DNA position 2439, C replaced by T.
Molecular consequence: intron variant.
Genome position (GRCh38, 1-based): chr1:153,936,532, G>A on the plus strand (C>T on the coding strand, the complement: DENND4B is on the minus strand). VCF-style: chr1-153936532-G-A. GRCh37 (hg19) VCF-style: chr1-153909008-G-A.
Other names: c.2472+10C>T (NM_001367466.1).
Identifiers: ClinVar variation 3043052 (VCV003043052.2), dbSNP rs200513243, ClinGen allele CA1121471.

ClinVar aggregate classification (germline): Likely benign (0 of 4 stars; one submission).

Conditions:
DENND4B-related disorder. Also called: DENND4B-related condition.

Allele frequency attached by ClinVar (database versions not stated): gnomAD exomes 0.00006; 1000 Genomes Project 30x 0.00016; 1000 Genomes Project 0.00020; ExAC 0.00057; gnomAD 0.00089; TOPMed 0.00097; ESP Exome Variant Server 0.00126.
gnomAD v4.1: 213 of 1,575,422 alleles (0.014%); highest among the groups gnomAD compares: African/African-American, 0.27%; 1 homozygote.

Submission:

PreventionGenetics, part of Exact Sciences
Classification: Likely benign for DENND4B-related condition. Last evaluated: 2019-03-25. Review status: no assertion criteria provided. Collection method: clinical testing. Allele origin: germline.
Comment: This variant is classified as likely benign based on ACMG/AMP sequence variant interpretation guidelines (Richards et al. 2015 PMID: 25741868, with internal and published modifications).